The following is an entry in ClinVar:

NM_199420.4(POLQ):c.4354C>G (p.Gln1452Glu)

Gene: POLQ (DNA polymerase theta; minus strand). Cytogenetic location: 3q13.33.
Variant type: single nucleotide variant.
Coding change: c.4354C>G on transcript NM_199420.4 (MANE Select); coding-DNA position 4354, C replaced by G.
Protein change: p.Gln1452Glu; replaces glutamine 1452 with glutamic acid.
Molecular consequence: missense variant.
Genome position (GRCh38, 1-based): chr3:121,488,577, G>C on the plus strand (C>G on the coding strand, the complement: POLQ is on the minus strand). VCF-style: chr3-121488577-G-C. GRCh37 (hg19) VCF-style: chr3-121207424-G-C.
Other names: short protein forms Q1452E.
Identifiers: ClinVar variation 3422479 (VCV003422479.1).

ClinVar aggregate classification (germline): Uncertain significance (1 of 4 stars; one submission).

Submission:

Ambry Genetics
Classification: Uncertain significance. Last evaluated: 2024-08-02. Review status: criteria provided, single submitter. Criteria: Ambry Variant Classification Scheme 2023. Collection method: clinical testing. Allele origin: germline.
Comment: The p.Q1452E variant (also known as c.4354C>G), located in coding exon 16 of the POLQ gene, results from a C to G substitution at nucleotide position 4354. The glutamine at codon 1452 is replaced by glutamic acid, an amino acid with highly similar properties. This amino acid position is conserved. In addition, this alteration is predicted to be tolerated by in silico analysis. Based on the available evidence, the clinical significance of this variant remains unclear.